The following is an entry in ClinVar:

NM_004946.3(DOCK2):c.169-11_169-7del

Gene: DOCK2 (dedicator of cytokinesis 2; plus strand). Cytogenetic location: 5q35.1.
Variant type: Deletion.
Coding change: c.169-11_169-7del on transcript NM_004946.3 (MANE Select); 11 bases into the intron before coding-DNA position 169 through 7 bases into the intron before coding-DNA position 169, 5 bases deleted (GTTTC; older notation c.169-11_169-7delGTTTC).
Molecular consequence: intron variant.
Genome position (GRCh38, 1-based): chr5:169,670,531-169,670,535, GTTTC deleted. VCF-style (leftmost placement, unchanged base first): chr5-169670530-TGTTTC-T. GRCh37 (hg19) VCF-style: chr5-169097534-TGTTTC-T.
Identifiers: ClinVar variation 3356448 (VCV003356448.1).
Genomic context (GRCh38, chr5:169,670,530, plus strand): 5'-GTAGGGTCATTCATTTCTGTGGTGATATATCTTTTTATTTTATTTTGTTTTGTTTTGTTT[TGTTTC>T]CAACAGGGCATTTTTCCTAAGTCATTTATCCACATCAAGGAAGTGACAGTTGAGAAAAGA-3'

ClinVar aggregate classification (germline): Likely benign (0 of 4 stars; one submission).

Conditions:
DOCK2-related disorder. Also called: DOCK2-related condition.

Submission:

PreventionGenetics, part of Exact Sciences
Classification: Likely benign for DOCK2-related condition. Last evaluated: 2024-08-06. Review status: no assertion criteria provided. Collection method: clinical testing. Allele origin: germline.
Comment: This variant is classified as likely benign based on ACMG/AMP sequence variant interpretation guidelines (Richards et al. 2015 PMID: 25741868, with internal and published modifications).